The following is an entry in ClinVar:

ClinVar aggregate classification (germline): Uncertain significance (1 of 4 stars; one submission).

Conditions:
Hereditary pancreatitis (PCTT). Also called: Hereditary chronic pancreatitis; PRSS1-Related Hereditary Pancreatitis. Identifiers: Orphanet 676, MedGen C0238339, MONDO:0008185, OMIM 167800.

Submission:

Ambry Genetics
Classification: Uncertain significance for Hereditary pancreatitis. Last evaluated: 2026-06-16. Review status: criteria provided, single submitter. Criteria: Ambry Variant Classification Scheme 2023. Collection method: clinical testing. Allele origin: germline.
Comment: The p.D258E variant (also known as c.774C>G), located in coding exon 7 of the CPA1 gene, results from a C to G substitution at nucleotide position 774. The aspartic acid at codon 258 is replaced by glutamic acid, an amino acid with highly similar properties. This amino acid position is conserved. In addition, this alteration is predicted to be tolerated by in silico analysis. Based on the available evidence, the clinical significance of this variant remains unclear.

NM_001868.4(CPA1):c.774C>G (p.Asp258Glu)

Gene: CPA1 (carboxypeptidase A1; plus strand). Cytogenetic location: 7q32.2.
Variant type: single nucleotide variant.
Coding change: c.774C>G on transcript NM_001868.4 (MANE Select); coding-DNA position 774, C replaced by G.
Protein change: p.Asp258Glu; replaces aspartic acid 258 with glutamic acid.
Molecular consequence: missense variant.
Genome position (GRCh38, 1-based): chr7:130,384,613, C>G. VCF-style: chr7-130384613-C-G. GRCh37 (hg19) VCF-style: chr7-130024454-C-G.
Other names: short protein forms D258E.
Identifiers: ClinVar variation 5034901 (VCV005034901.1).
Genomic context (GRCh38, chr7:130,384,613, plus strand): 5'-GACTCGGTCCCACACAGCAGGCTCCCTCTGTATTGGCGTGGACCCCAACAGGAACTGGGA[C>G]GCTGGCTTTGGGTGTAAGGCCCAGAGTGTCTTGGGAGCAAGGATGGGATGGCCTCGAATG-3'
Protein context (NP_001859.1, residues 248-268): CIGVDPNRNW[Asp258Glu]AGFGLSGASS